The following is an entry in ClinVar:

ClinVar aggregate classification (germline): Uncertain significance (1 of 4 stars; one submission).

Submission:

CeGaT Center for Human Genetics Tuebingen
Classification: Uncertain significance. Last evaluated: 2025-04-01. Review status: criteria provided, single submitter. Criteria: CeGaT Center For Human Genetics Tuebingen Variant Classification Criteria Version 2. Collection method: clinical testing. Allele origin: germline. Affected: yes. Observed: 1 variant allele.
Comment: SMC1A: PM2, PP2

NM_006306.4(SMC1A):c.343C>A (p.His115Asn)

Gene: SMC1A (structural maintenance of chromosomes 1A; minus strand). Cytogenetic location: Xp11.22.
Variant type: single nucleotide variant.
Coding change: c.343C>A on transcript NM_006306.4 (MANE Select); coding-DNA position 343, C replaced by A.
Protein change: p.His115Asn; replaces histidine 115 with asparagine.
Molecular consequence: missense variant.
Genome position (GRCh38, 1-based): chrX:53,414,826, G>T on the plus strand (C>A on the coding strand, the complement: SMC1A is on the minus strand). VCF-style: chrX-53414826-G-T. GRCh37 (hg19) VCF-style: chrX-53441775-G-T.
Other names: c.277C>A, p.His93Asn (NM_001281463.1); short protein forms H115N, H93N.
Identifiers: ClinVar variation 3898699 (VCV003898699.7).